The following is an entry in ClinVar:

ClinVar aggregate classification (germline): Uncertain significance. Review status: criteria provided, multiple submitters, no conflicts (2 of 4 stars). 2 submissions from 2 submitters: Uncertain significance (2). Last evaluated 2024-11-15.

Conditions:
Hereditary cancer-predisposing syndrome. Also called: Neoplastic Syndromes, Hereditary; Hereditary Cancer Syndrome; Hereditary neoplastic syndrome; Tumor predisposition. Identifiers: Orphanet 140162, MedGen C0027672, MeSH D009386, MONDO:0015356.
Hereditary breast ovarian cancer syndrome. Also called: Hereditary breast and ovarian cancer syndrome (HBOC); Hereditary breast and ovarian cancer syndrome; Breast and ovarian cancer; Hereditary breast and/or ovarian cancer syndrome; Hereditary breast and ovarian cancer; BRCA1- and BRCA2-Associated Hereditary Breast and Ovarian Cancer. Identifiers: Orphanet 145, MedGen C0677776, MeSH D061325, MONDO:0003582. Disease mechanism: loss of function.

Submissions (2):

Ambry Genetics
Classification: Uncertain significance for Hereditary cancer-predisposing syndrome. Last evaluated: 2024-11-15. Review status: criteria provided, single submitter. Criteria: Ambry Variant Classification Scheme 2023. Collection method: clinical testing. Allele origin: germline.
Comment: The c.1909+3A>C intronic variant results from an A to C substitution 3 nucleotides after coding exon 9 in the BRCA2 gene. This nucleotide position is well conserved in available vertebrate species. In silico splice site analysis predicts that this alteration will weaken the native splice donor site; however, direct evidence is insufficient at this time (Ambry internal data). Based on the available evidence, the clinical significance of this variant remains unclear.

Labcorp Genetics (formerly Invitae), Labcorp
Classification: Uncertain significance for Hereditary breast ovarian cancer syndrome. Last evaluated: 2017-03-13. Review status: criteria provided, single submitter. Criteria: Invitae Variant Classification Sherloc (09022015). Collection method: clinical testing. Allele origin: germline.
Comment: In summary, this is a novel intronic change with uncertain impact on splicing. It has been classified as a Variant of Uncertain Significance. Nucleotide substitutions within the consensus splice site are relatively common causes of aberrant splicing (PMID: 17576681, 9536098). Algorithms developed to predict the effect of nucleotide changes on RNA splicing suggest that this variant may alter RNA splicing, but this prediction has not been confirmed by published transcriptional studies. This variant is not present in population databases (ExAC no frequency) and has not been reported in the literature in individuals with a BRCA2-related disease. This sequence change falls in intron 10 of the BRCA2 gene. It does not directly change the encoded amino acid sequence of the BRCA2 protein, but it affects a nucleotide within the consensus splice site of the intron.

Literature cited by the submitters: PubMed 17576681 (cited by Labcorp Genetics (formerly Invitae), Labcorp); PubMed 9536098 (cited by Labcorp Genetics (formerly Invitae), Labcorp).

NM_000059.4(BRCA2):c.1909+3A>C

Gene: BRCA2 (BRCA2 DNA repair associated; plus strand). Cytogenetic location: 13q13.1.
Variant type: single nucleotide variant.
Coding change: c.1909+3A>C on transcript NM_000059.4 (MANE Select); 3 bases into the intron after coding-DNA position 1909, A replaced by C.
Molecular consequence: intron variant.
Genome position (GRCh38, 1-based): chr13:32,333,390, A>C. VCF-style: chr13-32333390-A-C. GRCh37 (hg19) VCF-style: chr13-32907527-A-C.
Identifiers: ClinVar variation 462248 (VCV000462248.8), dbSNP rs876659568, ClinGen allele CA658656347.